The following is an entry in ClinVar:

NM_000301.5(PLG):c.1377G>A (p.Ala459=)

Gene: PLG (plasminogen; plus strand). Cytogenetic location: 6q26.
Variant type: single nucleotide variant.
Coding change: c.1377G>A on transcript NM_000301.5 (MANE Select); coding-DNA position 1377, G replaced by A.
Protein change: p.Ala459=; no amino-acid change (alanine 459 retained).
Molecular consequence: synonymous variant.
Genome position (GRCh38, 1-based): chr6:160,731,171, G>A. VCF-style: chr6-160731171-G-A. GRCh37 (hg19) VCF-style: chr6-161152203-G-A.
Identifiers: ClinVar variation 3041601 (VCV003041601.4), dbSNP rs754112260, ClinGen allele CA4087762.

ClinVar aggregate classification (germline): Likely benign. Review status: criteria provided, single submitter (1 of 4 stars). 2 submissions from 2 submitters: Likely benign (1). 1 of the submissions does not count toward it. Last evaluated 2024-09-21.

Conditions:
PLG-related disorder. Also called: PLG-related condition.

Allele frequency attached by ClinVar (database versions not stated): gnomAD 0.00001; gnomAD exomes 0.00001; ExAC 0.00002.
gnomAD v4.1: 18 of 1,614,120 alleles (0.0011%); highest among the groups gnomAD compares: South Asian, 0.012%; no homozygotes.

Submissions (2):

Labcorp Genetics (formerly Invitae), Labcorp
Classification: Likely benign. Last evaluated: 2024-09-21. Review status: criteria provided, single submitter. Criteria: Invitae Variant Classification Sherloc (09022015). Collection method: clinical testing. Allele origin: germline.

PreventionGenetics, part of Exact Sciences
Classification: Likely benign for PLG-related condition. Last evaluated: 2019-05-08. Review status: no assertion criteria provided. Collection method: clinical testing. Allele origin: germline. Not counted in ClinVar's aggregate classification.
Comment: This variant is classified as likely benign based on ACMG/AMP sequence variant interpretation guidelines (Richards et al. 2015 PMID: 25741868, with internal and published modifications).